The following is an entry in ClinVar:

ClinVar aggregate classification (germline): Uncertain significance. Review status: criteria provided, multiple submitters, no conflicts (2 of 4 stars). 2 submissions from 2 submitters: Uncertain significance (2). Last evaluated 2025-07-15.

Conditions:
RAI1-related disorder. Also called: RAI1-related condition.

Allele frequency attached by ClinVar (database versions not stated): ExAC 0.00001; gnomAD 0.00002; TOPMed 0.00002.
gnomAD v4.1: 12 of 1,612,724 alleles (0.00074%); highest among the groups gnomAD compares: Admixed American, 0.015%; no homozygotes.

Submissions (2):

PreventionGenetics, part of Exact Sciences
Classification: Uncertain significance for RAI1-related condition. Last evaluated: 2025-07-15. Review status: criteria provided, single submitter. Criteria: ACMG Guidelines, 2015. Collection method: clinical testing. Allele origin: germline.
Comment: The RAI1 c.2708A>G variant is predicted to result in the amino acid substitution p.Glu903Gly. To our knowledge, this variant has not been reported in the literature. This variant is reported in 0.012% of alleles in individuals of African descent in gnomAD, which may be too common to be a primary cause of disease. Although we suspect that this variant may be benign, at this time, the clinical significance of this variant is uncertain due to the absence of conclusive functional and genetic evidence.

Labcorp Genetics (formerly Invitae), Labcorp
Classification: Uncertain significance. Last evaluated: 2024-10-21. Review status: criteria provided, single submitter. Criteria: Invitae Variant Classification Sherloc (09022015). Collection method: clinical testing. Allele origin: germline.
Comment: This sequence change replaces glutamic acid, which is acidic and polar, with glycine, which is neutral and non-polar, at codon 903 of the RAI1 protein (p.Glu903Gly). This variant is present in population databases (rs767500294, gnomAD 0.01%). This variant has not been reported in the literature in individuals affected with RAI1-related conditions. ClinVar contains an entry for this variant (Variation ID: 2416099). Invitae Evidence Modeling of protein sequence and biophysical properties (such as structural, functional, and spatial information, amino acid conservation, physicochemical variation, residue mobility, and thermodynamic stability) indicates that this missense variant is not expected to disrupt RAI1 protein function with a negative predictive value of 80%. In summary, the available evidence is currently insufficient to determine the role of this variant in disease. Therefore, it has been classified as a Variant of Uncertain Significance.

NM_030665.4(RAI1):c.2708A>G (p.Glu903Gly)

Gene: RAI1 (retinoic acid induced 1; plus strand). Cytogenetic location: 17p11.2.
Variant type: single nucleotide variant.
Coding change: c.2708A>G on transcript NM_030665.4 (MANE Select); coding-DNA position 2708, A replaced by G.
Protein change: p.Glu903Gly; replaces glutamic acid 903 with glycine.
Molecular consequence: missense variant.
Genome position (GRCh38, 1-based): chr17:17,795,656, A>G. VCF-style: chr17-17795656-A-G. GRCh37 (hg19) VCF-style: chr17-17698970-A-G.
Other names: c.2708A>G (NM_030665.3); short protein forms E903G.
Identifiers: ClinVar variation 2416099 (VCV002416099.10), dbSNP rs767500294, ClinGen allele CA8418589.